The following is an entry in ClinVar:

NM_001099403.2(PRDM8):c.868GGC[6] (p.Gly294dup)

Gene: PRDM8 (PR/SET domain 8; plus strand). Cytogenetic location: 4q21.21.
Variant type: Microsatellite.
Coding change: c.868GGC[6] on transcript NM_001099403.2 (MANE Select); six copies in a row of the 3-base unit GGC starting at c.868; the reference has five copies in a row; one copy, 3 bases duplicated.
Protein change: p.Gly294dup; duplicates glycine 294.
Molecular consequence: inframe insertion.
Genome position (GRCh38, 1-based): chr4:80,202,342-80,202,344, GGC duplicated; duplicating any 3 consecutive bases within chr4:80,202,328-80,202,344 gives the same sequence; the position shown is the placement nearest the transcript's 3' end. VCF-style (leftmost placement, unchanged base first): chr4-80202327-A-AGCG. GRCh37 (hg19) VCF-style: chr4-81123481-A-AGCG.
Other names: c.868GGC[6], p.Gly294dup (NM_020226.4).
Identifiers: ClinVar variation 1357523 (VCV001357523.6), dbSNP rs752636419, ClinGen allele CA2982347.

ClinVar aggregate classification (germline): Uncertain significance (1 of 4 stars; one submission).

Conditions:
Early-onset Lafora body disease. Also called: Epilepsy, progressive myoclonic, 10. Identifiers: Orphanet 324290, MedGen C4225258, MONDO:0014717, OMIM 616640.

Submission:

Labcorp Genetics (formerly Invitae), Labcorp
Classification: Uncertain significance for Early-onset Lafora body disease. Last evaluated: 2021-09-05. Review status: criteria provided, single submitter. Criteria: Invitae Variant Classification Sherloc (09022015). Collection method: clinical testing. Allele origin: germline.
Comment: This variant, c.880_882dup, results in the insertion of 1 amino acid(s) to the PRDM8 protein (p.Gly294dup), but otherwise preserves the integrity of the reading frame. This variant is present in population databases (rs752636419, ExAC 0.02%). This variant has not been reported in the literature in individuals affected with PRDM8-related conditions. Experimental studies and prediction algorithms are not available or were not evaluated, and the functional significance of this variant is currently unknown. In summary, the available evidence is currently insufficient to determine the role of this variant in disease. Therefore, it has been classified as a Variant of Uncertain Significance.